The following is an entry in ClinVar:

NM_005961.3(MUC6):c.2808C>T (p.Ser936=)

Gene: MUC6 (mucin 6, oligomeric mucus/gel-forming (gene/pseudogene); minus strand). Cytogenetic location: 11p15.5.
Variant type: single nucleotide variant.
Coding change: c.2808C>T on transcript NM_005961.3 (MANE Select); coding-DNA position 2808, C replaced by T.
Protein change: p.Ser936=; no amino-acid change (serine 936 retained).
Molecular consequence: synonymous variant.
Genome position (GRCh38, 1-based): chr11:1,025,359, G>A on the plus strand (C>T on the coding strand, the complement: MUC6 is on the minus strand). VCF-style: chr11-1025359-G-A. GRCh37 (hg19) VCF-style: chr11-1025359-G-A.
Identifiers: ClinVar variation 2641112 (VCV002641112.24), dbSNP rs779740491, ClinGen allele CA5796810.

ClinVar aggregate classification (germline): Likely benign (1 of 4 stars; one submission).

Allele frequency attached by ClinVar (database versions not stated): ExAC 0.00001; TOPMed 0.00001.
gnomAD v4.1: 3 of 1,609,582 alleles (0.00019%); highest among the groups gnomAD compares: Non-Finnish European, 0.00025%; no homozygotes.

Submission:

CeGaT Center for Human Genetics Tuebingen
Classification: Likely benign. Last evaluated: 2022-03-01. Review status: criteria provided, single submitter. Criteria: CeGaT Center For Human Genetics Tuebingen Variant Classification Criteria Version 2. Collection method: clinical testing. Allele origin: germline. Affected: yes. Observed: 1 variant allele.
Comment: MUC6: BP4, BP7